The following is an entry in ClinVar:

NM_005751.5(AKAP9):c.5963G>C (p.Gly1988Ala)

Gene: AKAP9 (A-kinase anchoring protein 9; plus strand). Cytogenetic location: 7q21.2.
Variant type: single nucleotide variant.
Coding change: c.5963G>C on transcript NM_005751.5 (MANE Select); coding-DNA position 5963, G replaced by C.
Protein change: p.Gly1988Ala; replaces glycine 1988 with alanine.
Molecular consequence: missense variant.
Genome position (GRCh38, 1-based): chr7:92,062,472, G>C. VCF-style: chr7-92062472-G-C. GRCh37 (hg19) VCF-style: chr7-91691786-G-C.
Other names: c.608G>C, p.Gly203Ala (NM_001379277.1); c.5963G>C, p.Gly1988Ala (NM_147185.3); short protein forms G203A, G1988A.
Identifiers: ClinVar variation 4033872 (VCV004033872.1).
Genomic context (GRCh38, chr7:92,062,472, plus strand): 5'-AGATCCAAGAAGAAAGAGAATTACTGTCCAGACAAAAGGAAGCTATGAAAGCAGAGGCAG[G>C]CCCAGTTGAACAACGTAAGTATTTTCAGAATTTGTATGAAACAGTCCTCTGATTTTATTT-3'
Protein context (NP_005742.4, residues 1978-1998): RQKEAMKAEA[Gly1988Ala]PVEQQLLQET

ClinVar aggregate classification (germline): Uncertain significance (1 of 4 stars; one submission).

Conditions:
Cardiovascular phenotype. Identifiers: MedGen CN230736.

Submission:

Ambry Genetics
Classification: Uncertain significance for Cardiovascular phenotype. Last evaluated: 2025-04-23. Review status: criteria provided, single submitter. Criteria: Ambry Variant Classification Scheme 2023. Collection method: clinical testing. Allele origin: germline.
Comment: The p.G1988A variant (also known as c.5963G>C), located in coding exon 24 of the AKAP9 gene, results from a G to C substitution at nucleotide position 5963. The glycine at codon 1988 is replaced by alanine, an amino acid with similar properties. This amino acid position is conserved. In addition, this alteration is predicted to be tolerated by in silico analysis. Based on the available evidence, the clinical significance of this variant remains unclear.